The following is an entry in ClinVar:

NM_001098484.3(SLC4A4):c.3200A>G (p.Glu1067Gly)

Gene: SLC4A4 (solute carrier family 4 member 4; plus strand). Cytogenetic location: 4q13.3.
Variant type: single nucleotide variant.
Coding change: c.3200A>G on transcript NM_001098484.3 (MANE Select); coding-DNA position 3200, A replaced by G.
Protein change: p.Glu1067Gly; replaces glutamic acid 1067 with glycine.
Molecular consequence: missense variant.
Genome position (GRCh38, 1-based): chr4:71,567,007, A>G. VCF-style: chr4-71567007-A-G. GRCh37 (hg19) VCF-style: chr4-72432724-A-G.
Other names: c.3103A>G, p.Lys1035Glu (NM_001134742.2); c.3068A>G, p.Glu1023Gly (NM_003759.4); short protein forms E1067G, K1035E, E1023G.
Identifiers: ClinVar variation 2191386 (VCV002191386.4), dbSNP rs1349642570, ClinGen allele CA357423282.

ClinVar aggregate classification (germline): Uncertain significance (1 of 4 stars; one submission).

Allele frequency attached by ClinVar (database versions not stated): gnomAD 0.00001; gnomAD exomes 0.00002.
gnomAD v4.1: 22 of 1,609,266 alleles (0.0014%); highest among the groups gnomAD compares: African/African-American, 0.0027%; no homozygotes.

Submission:

Labcorp Genetics (formerly Invitae), Labcorp
Classification: Uncertain significance. Last evaluated: 2022-06-07. Review status: criteria provided, single submitter. Criteria: Invitae Variant Classification Sherloc (09022015). Collection method: clinical testing. Allele origin: germline.
Comment: This sequence change replaces glutamic acid, which is acidic and polar, with glycine, which is neutral and non-polar, at codon 1023 of the SLC4A4 protein (p.Glu1023Gly). This variant is present in population databases (no rsID available, gnomAD 0.01%). This variant has not been reported in the literature in individuals affected with SLC4A4-related conditions. Algorithms developed to predict the effect of missense changes on protein structure and function (SIFT, PolyPhen-2, Align-GVGD) all suggest that this variant is likely to be tolerated. In summary, the available evidence is currently insufficient to determine the role of this variant in disease. Therefore, it has been classified as a Variant of Uncertain Significance.